The following is an entry in ClinVar:

ClinVar aggregate classification (germline): Uncertain significance (1 of 4 stars; one submission).

Conditions:
Neuropathy, hereditary sensory, type 1F. Also called: HSN IF; Hereditary sensory neuropathy type IF. Identifiers: Orphanet 36386, MedGen C3810194, MONDO:0014286, OMIM 615632.

Allele frequency attached by ClinVar (database versions not stated): gnomAD exomes below 0.00001.
gnomAD v4.1: 2 of 1,614,178 alleles (0.00012%); highest among the groups gnomAD compares: Non-Finnish European, 0.00017%; no homozygotes.

Submission:

Labcorp Genetics (formerly Invitae), Labcorp
Classification: Uncertain significance for Neuropathy, hereditary sensory, type 1F. Last evaluated: 2019-11-12. Review status: criteria provided, single submitter. Criteria: Invitae Variant Classification Sherloc (09022015). Collection method: clinical testing. Allele origin: germline.
Comment: In summary, the available evidence is currently insufficient to determine the role of this variant in disease. Therefore, it has been classified as a Variant of Uncertain Significance. Algorithms developed to predict the effect of missense changes on protein structure and function are either unavailable or do not agree on the potential impact of this missense change (SIFT: "Deleterious"; PolyPhen-2: "Probably Damaging"; Align-GVGD: "Class C0"). This variant has not been reported in the literature in individuals with ATL3-related conditions. This variant is not present in population databases (ExAC no frequency). This sequence change replaces leucine with methionine at codon 395 of the ATL3 protein (p.Leu395Met). The leucine residue is highly conserved and there is a small physicochemical difference between leucine and methionine.

NM_015459.5(ATL3):c.1183C>A (p.Leu395Met)

Genes: ATL3 (atlastin GTPase 3; minus strand), LNCROPM (lncRNA regulator of PLAAT3 mediated phospholipid metabolism; plus strand), LOC126861231 (CDK7 strongly-dependent group 2 enhancer GRCh37_chr11:63398741-63399940; plus strand). Cytogenetic location: 11q13.1.
Variant type: single nucleotide variant.
Coding change: c.1183C>A on transcript NM_015459.5 (MANE Select); coding-DNA position 1183, C replaced by A.
Protein change: p.Leu395Met; replaces leucine 395 with methionine.
Molecular consequence: missense variant.
Genome position (GRCh38, 1-based): chr11:63,631,396, G>T on the plus strand (C>A on the coding strand, the complement: ATL3 is on the minus strand). VCF-style: chr11-63631396-G-T. GRCh37 (hg19) VCF-style: chr11-63398868-G-T.
Other names: c.1129C>A, p.Leu377Met (NM_001290048.2); short protein forms L377M, L395M.
Identifiers: ClinVar variation 960735 (VCV000960735.10), dbSNP rs1258221734, ClinGen allele CA381025514.
Genomic context (GRCh38, chr11:63,631,396, plus strand): 5'-GCTGGTAACGAAAGCTGAAATCCTTCCCACCCATCTTCTTGGTCTTCTTAAAATGGTCCA[G>T]AGCAAGTTGTTTGAATTCACAGTGCTTCTCCTCTAGAATGTCTGGAGACAAATAAGGTTT-3'
Protein context (NP_056274.3, residues 385-405): EKHCEFKQLA[Leu395Met]DHFKKTKKMG